The following is an entry in ClinVar:

ClinVar aggregate classification (germline): Uncertain significance (1 of 4 stars; one submission).

Conditions:
Alstrom syndrome (ALMS). Identifiers: Orphanet 64, MedGen C0268425, MONDO:0008763, OMIM 203800.

Submission:

Labcorp Genetics (formerly Invitae), Labcorp
Classification: Uncertain significance for Alstrom syndrome. Last evaluated: 2022-08-15. Review status: criteria provided, single submitter. Criteria: Invitae Variant Classification Sherloc (09022015). Collection method: clinical testing. Allele origin: germline.
Comment: A copy number gain of the genomic region encompassing the full coding sequence of the ALMS1 gene has been identified. The boundaries of this event are unknown as they extend beyond the assayed region for this gene and therefore may encompass additional genes. As the precise location of this event is unknown, it may be in tandem or it may be located elsewhere in the genome. This variant has not been reported in the literature in individuals affected with ALMS1-related conditions. In summary, the available evidence is currently insufficient to determine the role of this variant in disease. Therefore, it has been classified as a Variant of Uncertain Significance.

NC_000002.11:g.(?_73114549)_(73836749_?)dup

Genes: FBXO41 (F-box protein 41; minus strand), ALMS1 (ALMS1 centrosome and basal body associated protein; plus strand), CCT7 (chaperonin containing TCP1 subunit 7; plus strand), EGR4 (early growth response 4; minus strand), EMX1 (empty spiracles homeobox 1; plus strand) and 6 more. Cytogenetic location: 2p13.2-13.1.
Variant type: Duplication.
Identifiers: ClinVar variation 1056266 (VCV001056266.2).